The following is an entry in ClinVar:

ClinVar aggregate classification (germline): Uncertain significance (1 of 4 stars; one submission).

Allele frequency attached by ClinVar (database versions not stated): TOPMed below 0.00001.

Submission:

Labcorp Genetics (formerly Invitae), Labcorp
Classification: Uncertain significance. Last evaluated: 2023-10-03. Review status: criteria provided, single submitter. Criteria: Invitae Variant Classification Sherloc (09022015). Collection method: clinical testing. Allele origin: germline.
Comment: This sequence change replaces methionine, which is neutral and non-polar, with isoleucine, which is neutral and non-polar, at codon 95 of the OR2W3 protein (p.Met95Ile). This variant is not present in population databases (gnomAD no frequency). This variant has not been reported in the literature in individuals affected with OR2W3-related conditions. Algorithms developed to predict the effect of missense changes on protein structure and function output the following: SIFT: "Not Available"; PolyPhen-2: "Benign"; Align-GVGD: "Not Available". The isoleucine amino acid residue is found in multiple mammalian species, which suggests that this missense change does not adversely affect protein function. In summary, the available evidence is currently insufficient to determine the role of this variant in disease. Therefore, it has been classified as a Variant of Uncertain Significance.

NM_001001957.2(OR2W3):c.285G>A (p.Met95Ile)

Gene: OR2W3 (olfactory receptor family 2 subfamily W member 3; plus strand). Cytogenetic location: 1q44.
Variant type: single nucleotide variant.
Coding change: c.285G>A on transcript NM_001001957.2 (MANE Select); coding-DNA position 285, G replaced by A.
Protein change: p.Met95Ile; replaces methionine 95 with isoleucine.
Molecular consequence: missense variant.
Genome position (GRCh38, 1-based): chr1:247,895,871, G>A. VCF-style: chr1-247895871-G-A. GRCh37 (hg19) VCF-style: chr1-248059173-G-A.
Other names: short protein forms M95I.
Identifiers: ClinVar variation 3011443 (VCV003011443.3), dbSNP rs1659597365, ClinGen allele CA345591892.